The following is an entry in ClinVar:

ClinVar aggregate classification (germline): Uncertain significance (1 of 4 stars; one submission).

Conditions:
Long QT syndrome (LQTS). Identifiers: MedGen C0023976, MeSH D008133, MONDO:0002442. Disease mechanism: loss of function. Inheritance: Various modes of inheritance.

Submission:

Labcorp Genetics (formerly Invitae), Labcorp
Classification: Uncertain significance for Long QT syndrome. Last evaluated: 2024-05-07. Review status: criteria provided, single submitter. Criteria: Invitae Variant Classification Sherloc (09022015). Collection method: clinical testing. Allele origin: germline.
Comment: This sequence change replaces threonine, which is neutral and polar, with serine, which is neutral and polar, at codon 859 of the KCNH2 protein (p.Thr859Ser). This variant is not present in population databases (gnomAD no frequency). This variant has not been reported in the literature in individuals affected with KCNH2-related conditions. An algorithm developed to predict the effect of missense changes on protein structure and function (PolyPhen-2) suggests that this variant is likely to be disruptive. In summary, the available evidence is currently insufficient to determine the role of this variant in disease. Therefore, it has been classified as a Variant of Uncertain Significance.

NM_000238.4(KCNH2):c.2576C>G (p.Thr859Ser)

Gene: KCNH2 (potassium voltage-gated channel subfamily H member 2; minus strand). Cytogenetic location: 7q36.1.
Variant type: single nucleotide variant.
Coding change: c.2576C>G on transcript NM_000238.4 (MANE Select); coding-DNA position 2576, C replaced by G.
Protein change: p.Thr859Ser; replaces threonine 859 with serine.
Molecular consequence: missense variant. On other transcripts: non-coding transcript variant (2).
Genome position (GRCh38, 1-based): chr7:150,948,872, G>C on the plus strand (C>G on the coding strand, the complement: KCNH2 is on the minus strand). VCF-style: chr7-150948872-G-C. GRCh37 (hg19) VCF-style: chr7-150645960-G-C.
Other names: c.2288C>G, p.Thr763Ser (NM_001406753.1); c.1556C>G, p.Thr519Ser (NM_172057.3); short protein forms T519S, T859S, T763S.
Identifiers: ClinVar variation 3652482 (VCV003652482.2).